The following is an entry in ClinVar:

ClinVar aggregate classification (germline): Uncertain significance. Review status: criteria provided, multiple submitters, no conflicts (2 of 4 stars). 4 submissions from 4 submitters: Uncertain significance (4). Last evaluated 2026-07-17.

Conditions:
CEP290-related disorder. Also called: CEP290-related disorders; CEP290-related condition. Identifiers: MedGen CN239314.
Nephronophthisis. Also called: Juvenile Nephronophthisis. Identifiers: Orphanet 655, MedGen C0687120, MONDO:0019005, HP:0000090.
Joubert syndrome. Also called: JOUBERT-BOLTSHAUSER SYNDROME; Familial aplasia of the vermis. Identifiers: Orphanet 475, MedGen C5979921, MONDO:0018772.
Meckel-Gruber syndrome. Also called: DYSENCEPHALIA SPLANCHNOCYSTICA; GRUBER SYNDROME; Dysencephalia splachnocystica. Identifiers: Orphanet 564, MedGen C0265215, MONDO:0018921.
Meckel syndrome, type 4 (MKS4). Also called: MECKEL-GRUBER SYNDROME, TYPE 4. Identifiers: Orphanet 564, MedGen C1970161, MONDO:0012626, OMIM 611134.
Bardet-Biedl syndrome 14 (BBS14). Identifiers: Orphanet 110, MedGen C2673874, MONDO:0014442, OMIM 615991.
Joubert syndrome 5 (JBTS5). Identifiers: Orphanet 2318, MedGen C1857780, MONDO:0012432, OMIM 610188.
Senior-Loken syndrome 6 (SLSN6). Identifiers: Orphanet 3156, MedGen C1857779, MONDO:0012433, OMIM 610189.
Leber congenital amaurosis 10 (LCA10). Identifiers: Orphanet 65, MedGen C1857821, MONDO:0012723, OMIM 611755.

Allele frequency attached by ClinVar (database versions not stated): ExAC 0.00001; gnomAD 0.00001; TOPMed 0.00001.
gnomAD v4.1: 33 of 1,610,336 alleles (0.002%); highest among the groups gnomAD compares: Middle Eastern, 0.033%; no homozygotes.

Submissions (4):

PreventionGenetics, part of Exact Sciences
Classification: Uncertain significance for CEP290-related condition. Last evaluated: 2026-07-17. Review status: criteria provided, single submitter. Criteria: ACMG Guidelines, 2015. Collection method: clinical testing. Allele origin: germline.
Comment: The CEP290 c.2713G>A variant is predicted to result in the amino acid substitution p.Glu905Lys. To our knowledge, this variant has not been reported in the literature. This variant is reported in 0.0033% of alleles in individuals of South Asian descent in gnomAD. At this time, the clinical significance of this variant is uncertain due to the absence of conclusive functional and genetic evidence.

Fulgent Genetics
Classification: Uncertain significance for Joubert syndrome 5; Senior-Loken syndrome 6; Meckel syndrome, type 4; Leber congenital amaurosis 10; Bardet-Biedl syndrome 14. Last evaluated: 2024-05-24. Review status: criteria provided, single submitter. Criteria: ACMG Guidelines, 2015. Collection method: clinical testing. Allele origin: germline.

Labcorp Genetics (formerly Invitae), Labcorp
Classification: Uncertain significance for Joubert syndrome; Meckel-Gruber syndrome; Nephronophthisis. Last evaluated: 2022-06-24. Review status: criteria provided, single submitter. Criteria: Invitae Variant Classification Sherloc (09022015). Collection method: clinical testing. Allele origin: germline.
Comment: This sequence change replaces glutamic acid, which is acidic and polar, with lysine, which is basic and polar, at codon 905 of the CEP290 protein (p.Glu905Lys). This variant is present in population databases (rs747065944, gnomAD 0.003%). This variant has not been reported in the literature in individuals affected with CEP290-related conditions. Algorithms developed to predict the effect of missense changes on protein structure and function are either unavailable or do not agree on the potential impact of this missense change (SIFT: "Deleterious"; PolyPhen-2: "Probably Damaging"; Align-GVGD: "Class C0"). In summary, the available evidence is currently insufficient to determine the role of this variant in disease. Therefore, it has been classified as a Variant of Uncertain Significance.

Blueprint Genetics
Classification: Uncertain significance. Last evaluated: 2019-08-18. Review status: criteria provided, single submitter. Criteria: ACMG Guidelines, 2015. Collection method: clinical testing. Allele origin: germline.

NM_025114.4(CEP290):c.2713G>A (p.Glu905Lys)

Gene: CEP290 (centrosomal protein 290; minus strand). Cytogenetic location: 12q21.32.
Variant type: single nucleotide variant.
Coding change: c.2713G>A on transcript NM_025114.4 (MANE Select); coding-DNA position 2713, G replaced by A.
Protein change: p.Glu905Lys; replaces glutamic acid 905 with lysine.
Molecular consequence: missense variant.
Genome position (GRCh38, 1-based): chr12:88,106,779, C>T on the plus strand (G>A on the coding strand, the complement: CEP290 is on the minus strand). VCF-style: chr12-88106779-C-T. GRCh37 (hg19) VCF-style: chr12-88500556-C-T.
Other names: c.2713G>A (NM_025114.3); short protein forms E905K.
Identifiers: ClinVar variation 1896652 (VCV001896652.6), dbSNP rs747065944, ClinGen allele CA6712285.